The following is an entry in ClinVar:

NM_001330260.2(SCN8A):c.2519T>G (p.Leu840Arg)

Gene: SCN8A (sodium voltage-gated channel alpha subunit 8; plus strand). Cytogenetic location: 12q13.13.
Variant type: single nucleotide variant.
Coding change: c.2519T>G on transcript NM_001330260.2 (MANE Select); coding-DNA position 2519, T replaced by G.
Protein change: p.Leu840Arg; replaces leucine 840 with arginine.
Molecular consequence: missense variant.
Genome position (GRCh38, 1-based): chr12:51,762,651, T>G. VCF-style: chr12-51762651-T-G. GRCh37 (hg19) VCF-style: chr12-52156435-T-G.
Other names: c.2519T>G, p.Leu840Arg (NM_001177984.3, NM_001369788.1, NM_014191.4); short protein forms L840R.
Identifiers: ClinVar variation 240885 (VCV000240885.11), dbSNP rs878854974, ClinGen allele CA10583048.

ClinVar aggregate classification (germline): Likely pathogenic (1 of 4 stars; one submission).

Conditions:
Early-infantile DEE. Also called: Early infantile epileptic encephalopathy with suppression bursts; Early infantile epileptic encephalopathy; Ohtahara syndrome. Identifiers: Orphanet 1934, MedGen C0393706, MONDO:0800491.

Submission:

Labcorp Genetics (formerly Invitae), Labcorp
Classification: Likely pathogenic for Early-infantile DEE. Last evaluated: 2019-08-13. Review status: criteria provided, single submitter. Criteria: Invitae Variant Classification Sherloc (09022015). Collection method: clinical testing. Allele origin: germline.
Comment: This sequence change replaces leucine with arginine at codon 840 of the SCN8A protein (p.Leu840Arg). The leucine residue is highly conserved and there is a moderate physicochemical difference between leucine and arginine. In summary, the currently available evidence indicates that the variant is pathogenic, but additional data are needed to prove that conclusively. Therefore, this variant has been classified as Likely Pathogenic. Algorithms developed to predict the effect of missense changes on protein structure and function are either unavailable or do not agree on the potential impact of this missense change (SIFT: "Deleterious"; PolyPhen-2: "Probably Damaging"; Align-GVGD: "Class C0"). This variant has been observed in individual(s) with clinical features of SCN8A-related disease (Invitae). In at least one individual the variant was observed to be de novo. This variant is not present in population databases (ExAC no frequency).